The following is an entry in ClinVar:

ClinVar aggregate classification (germline): Uncertain significance (1 of 4 stars; one submission).

Allele frequency attached by ClinVar (database versions not stated): gnomAD exomes below 0.00001; TOPMed below 0.00001; gnomAD 0.00001.
gnomAD v4.1: 2 of 1,614,034 alleles (0.00012%); highest among the groups gnomAD compares: Non-Finnish European, 0.00017%; no homozygotes.

Submission:

Labcorp Genetics (formerly Invitae), Labcorp
Classification: Uncertain significance. Last evaluated: 2022-03-14. Review status: criteria provided, single submitter. Criteria: Invitae Variant Classification Sherloc (09022015). Collection method: clinical testing. Allele origin: germline.
Comment: This sequence change replaces lysine, which is basic and polar, with threonine, which is neutral and polar, at codon 463 of the TSEN54 protein (p.Lys463Thr). This variant is not present in population databases (gnomAD no frequency). This variant has not been reported in the literature in individuals affected with TSEN54-related conditions. Algorithms developed to predict the effect of missense changes on protein structure and function are either unavailable or do not agree on the potential impact of this missense change (SIFT: "Tolerated"; PolyPhen-2: "Probably Damaging"; Align-GVGD: "Class C0"). In summary, the available evidence is currently insufficient to determine the role of this variant in disease. Therefore, it has been classified as a Variant of Uncertain Significance.

NM_207346.3(TSEN54):c.1388A>C (p.Lys463Thr)

Gene: TSEN54 (tRNA splicing endonuclease subunit 54; plus strand). Cytogenetic location: 17q25.1.
Variant type: single nucleotide variant.
Coding change: c.1388A>C on transcript NM_207346.3 (MANE Select); coding-DNA position 1388, A replaced by C.
Protein change: p.Lys463Thr; replaces lysine 463 with threonine.
Molecular consequence: missense variant.
Genome position (GRCh38, 1-based): chr17:75,523,737, A>C. VCF-style: chr17-75523737-A-C. GRCh37 (hg19) VCF-style: chr17-73519818-A-C.
Other names: short protein forms K463T.
Identifiers: ClinVar variation 2111495 (VCV002111495.4), dbSNP rs1386151870, ClinGen allele CA401030786.
Genomic context (GRCh38, chr17:75,523,737, plus strand): 5'-CTGGGGGCTTGGAAATCATCTTTGATGTTTACCAGGCCGACGCTGTGGCCACATTCCGAA[A>C]GAATAACCCTGGCAAACCCTATGCCCGGATGTGCATTAGTGGGTACGCAGTGAGCCAGCA-3'
Protein context (NP_997229.2, residues 453-473): YQADAVATFR[Lys463Thr]NNPGKPYARM